The following is an entry in ClinVar:

ClinVar aggregate classification (germline): Likely pathogenic (1 of 4 stars; one submission).

Submission:

Labcorp Genetics (formerly Invitae), Labcorp
Classification: Likely pathogenic. Last evaluated: 2023-09-22. Review status: criteria provided, single submitter. Criteria: Invitae Variant Classification Sherloc (09022015). Collection method: clinical testing. Allele origin: germline.
Comment: This variant is not present in population databases (gnomAD no frequency). In summary, the currently available evidence indicates that the variant is pathogenic, but additional data are needed to prove that conclusively. Therefore, this variant has been classified as Likely Pathogenic. Advanced modeling of protein sequence and biophysical properties (such as structural, functional, and spatial information, amino acid conservation, physicochemical variation, residue mobility, and thermodynamic stability) performed at Invitae indicates that this missense variant is expected to disrupt SMAD2 protein function. This missense change has been observed in individual(s) with clinical features of SMAD2-related conditions (Invitae). In at least one individual the variant was observed to be de novo. This sequence change replaces tryptophan, which is neutral and slightly polar, with arginine, which is basic and polar, at codon 132 of the SMAD2 protein (p.Trp132Arg).

NM_005901.6(SMAD2):c.394T>A (p.Trp132Arg)

Gene: SMAD2 (SMAD family member 2; minus strand). Cytogenetic location: 18q21.1.
Variant type: single nucleotide variant.
Coding change: c.394T>A on transcript NM_005901.6 (MANE Select); coding-DNA position 394, T replaced by A.
Protein change: p.Trp132Arg; replaces tryptophan 132 with arginine.
Molecular consequence: missense variant.
Genome position (GRCh38, 1-based): chr18:47,869,369, A>T on the plus strand (T>A on the coding strand, the complement: SMAD2 is on the minus strand). VCF-style: chr18-47869369-A-T. GRCh37 (hg19) VCF-style: chr18-45395740-A-T.
Other names: c.394T>A, p.Trp132Arg (NM_001003652.4); c.304T>A, p.Trp102Arg (NM_001135937.3); short protein forms W132R, W102R.
Identifiers: ClinVar variation 2865243 (VCV002865243.3), dbSNP rs2144378963, ClinGen allele CA402502107.
Genomic context (GRCh38, chr18:47,869,369, plus strand): 5'-CATATTCGCAGTTTTCAATTGCCTTGAGTTCATGATGACTGTGAAGATCAGGCCAGCGCC[A>T]TAATCGGCAATATATAACATGTGGCAATCCTTTTCGATGGGATACCTGGAGACGACCATC-3'
Protein context (NP_005892.1, residues 122-142): GLPHVIYCRL[Trp132Arg]RWPDLHSHHE